The following is an entry in ClinVar:

NM_000321.3(RB1):c.1862G>A (p.Arg621His)

Gene: RB1 (RB transcriptional corepressor 1; plus strand). Cytogenetic location: 13q14.2.
Variant type: single nucleotide variant.
Coding change: c.1862G>A on transcript NM_000321.3 (MANE Select); coding-DNA position 1862, G replaced by A.
Protein change: p.Arg621His; replaces arginine 621 with histidine.
Molecular consequence: missense variant.
Genome position (GRCh38, 1-based): chr13:48,456,251, G>A. VCF-style: chr13-48456251-G-A. GRCh37 (hg19) VCF-style: chr13-49030387-G-A.
Other names: short protein forms R621H.
Identifiers: ClinVar variation 135122 (VCV000135122.31), dbSNP rs373601944, ClinGen allele CA026404.

ClinVar aggregate classification (germline): Conflicting classifications of pathogenicity. Review status: criteria provided, conflicting classifications (1 of 4 stars). 8 submissions from 8 submitters: Uncertain significance (1); Likely benign (6). 1 of the submissions does not count toward it. Last evaluated 2026-06-22.

Conditions:
RB1-related disorder. Also called: RB1-related condition.
Hereditary cancer-predisposing syndrome. Also called: Neoplastic Syndromes, Hereditary; Tumor predisposition; Hereditary Cancer Syndrome; Hereditary neoplastic syndrome. Identifiers: Orphanet 140162, MedGen C0027672, MeSH D009386, MONDO:0015356.
Retinoblastoma (RB1). Also called: RETINOBLASTOMA, SOMATIC. Identifiers: Orphanet 790, MedGen C0035335, MeSH D012175, MONDO:0008380, OMIM 180200, HP:0009919. Disease mechanism: loss of function. Inheritance: Both sporadic and heritable forms are tested..

Allele frequency attached by ClinVar (database versions not stated): ExAC 0.00006; gnomAD exomes 0.00006; TOPMed 0.00007; gnomAD 0.00009; ESP Exome Variant Server 0.00015.
gnomAD v4.1: 50 of 1,613,990 alleles (0.0031%); highest among the groups gnomAD compares: African/African-American, 0.015%; no homozygotes.

Submissions (8):

Myriad Genetics, Inc.
Classification: Likely benign for Retinoblastoma. Last evaluated: 2026-06-22. Review status: criteria provided, single submitter. Criteria: Myriad Autosomal Dominant, Autosomal Recessive and X-Linked Classification Criteria (2023). Collection method: clinical testing. Allele origin: unknown.
Comment: This variant is considered likely benign. This variant has been observed at a population frequency that is significantly greater than expected given the associated disease prevalence and penetrance.

Labcorp Genetics (formerly Invitae), Labcorp
Classification: Likely benign for Retinoblastoma. Last evaluated: 2026-01-10. Review status: criteria provided, single submitter. Criteria: Invitae Variant Classification Sherloc (09022015). Collection method: clinical testing. Allele origin: germline.

PreventionGenetics, part of Exact Sciences
Classification: Likely benign for RB1-related condition. Last evaluated: 2026-01-08. Review status: criteria provided, single submitter. Criteria: ACMG Guidelines, 2015. Collection method: clinical testing. Allele origin: germline.
Comment: This variant is classified as likely benign based on ACMG/AMP sequence variant interpretation guidelines (Richards et al. 2015 PMID: 25741868, with internal and published modifications).

GeneDx
Classification: Likely benign. Last evaluated: 2023-04-19. Review status: criteria provided, single submitter. Criteria: GeneDx Variant Classification Process June 2021. Collection method: clinical testing. Allele origin: germline. Affected: yes.
Comment: See Variant Classification Assertion Criteria.

Color Diagnostics, LLC DBA Color Health
Classification: Likely benign for Retinoblastoma. Last evaluated: 2022-05-02. Review status: criteria provided, single submitter. Criteria: ACMG Guidelines, 2015. Collection method: clinical testing. Allele origin: germline.

Sema4
Classification: Uncertain significance for Hereditary cancer-predisposing syndrome. Last evaluated: 2021-06-29. Review status: criteria provided, single submitter. Criteria: Sema4 Curation Guidelines. Collection method: curation. Allele origin: germline.
Comment: The RB1 c.1862G>A (p.R621H) variant has been reported in at least one individual with neuroblastoma (PMID: 26580448) and in several tumor samples as somatic variant (PMID: 30181556, 29316426). It was observed in 19/282830 chromosomes in the large and broad cohorts of the Genome Aggregation Database (PMID: 32461654). The variant has been reported in ClinVar (Variation ID 135122). In silico tools suggest the impact of the variant on protein function is inconclusive though these predictions have not been confirmed by functional studies. The evidence is insufficient to meet ACMG/AMP criteria for classifying the variant as benign or pathogenic. Thus, the clinical significance of this variant is currently uncertain.

Ambry Genetics
Classification: Likely benign for Hereditary cancer-predisposing syndrome. Last evaluated: 2020-07-30. Review status: criteria provided, single submitter. Criteria: Ambry Variant Classification Scheme 2023. Collection method: clinical testing. Allele origin: germline.

ITMI
No classification provided. Condition: AllHighlyPenetrant. Last evaluated: 2013-09-19. Review status: no classification provided. Collection method: reference population. Allele origin: germline. Not counted in ClinVar's aggregate classification.
Comment: Please see associated publication for description of ethnicities

Literature cited by the submitters: PubMed 26580448 (cited by Sema4 and Ambry Genetics); PubMed 30181556 (cited by Sema4); PubMed 29316426 (cited by Sema4); PubMed 10023315 (cited by Ambry Genetics); PubMed 24728327 (cited by ITMI).